The following is an entry in ClinVar:

NM_002576.5(PAK1):c.284A>C (p.Glu95Ala)

Gene: PAK1 (p21 (RAC1) activated kinase 1; minus strand). Cytogenetic location: 11q13.5.
Variant type: single nucleotide variant.
Coding change: c.284A>C on transcript NM_002576.5 (MANE Select); coding-DNA position 284, A replaced by C.
Protein change: p.Glu95Ala; replaces glutamic acid 95 with alanine.
Molecular consequence: missense variant. On other transcripts: 5 prime UTR variant (2), non-coding transcript variant (2), intron variant (2).
Genome position (GRCh38, 1-based): chr11:77,379,901, T>G on the plus strand (A>C on the coding strand, the complement: PAK1 is on the minus strand). VCF-style: chr11-77379901-T-G. GRCh37 (hg19) VCF-style: chr11-77090946-T-G.
Other names: c.284A>C, p.Glu95Ala (NM_001128620.2, NM_001376268.1, NM_001376269.1 and 27 more transcripts); c.-11A>C (NM_001376302.1, NM_001376305.1); c.-3-513A>C (NM_001376304.1); c.191-5536A>C (NM_001376301.1); short protein forms E95A.
Identifiers: ClinVar variation 3370148 (VCV003370148.1).

ClinVar aggregate classification (germline): Uncertain significance (1 of 4 stars; one submission).

Submission:

GeneDx
Classification: Uncertain significance. Last evaluated: 2023-12-21. Review status: criteria provided, single submitter. Criteria: GeneDx Variant Classification Process June 2021. Collection method: clinical testing. Allele origin: germline. Affected: yes.
Comment: Not observed at significant frequency in large population cohorts (gnomAD); In silico analysis supports that this missense variant has a deleterious effect on protein structure/function; Has not been previously published as pathogenic or benign to our knowledge